The following is an entry in ClinVar:

NM_005876.5(SPEG):c.4735A>C (p.Thr1579Pro)

Gene: SPEG (striated muscle enriched protein kinase; plus strand). Cytogenetic location: 2q35.
Variant type: single nucleotide variant.
Coding change: c.4735A>C on transcript NM_005876.5 (MANE Select); coding-DNA position 4735, A replaced by C.
Protein change: p.Thr1579Pro; replaces threonine 1579 with proline.
Molecular consequence: missense variant.
Genome position (GRCh38, 1-based): chr2:219,477,694, A>C. VCF-style: chr2-219477694-A-C. GRCh37 (hg19) VCF-style: chr2-220342416-A-C.
Other names: c.4735A>C (NM_005876.4); short protein forms T1579P.
Identifiers: ClinVar variation 1897250 (VCV001897250.6), dbSNP rs779504640, ClinGen allele CA2126614.
Genomic context (GRCh38, chr2:219,477,694, plus strand): 5'-CTGGCCTGCTTGCTTTCTTCCCCTCCCACCTAACACCATGACATCTCTGCCCCAGCTCAG[A>C]CAGCTATGGAGGTCGAGGGGGTCGGGGAGGATGAGGACCATCGAGGAAGGAGACTCAGCG-3'
Protein context (NP_005867.3, residues 1569-1589): KAELAVHSAQ[Thr1579Pro]AMEVEGVGED

ClinVar aggregate classification (germline): Uncertain significance. Review status: criteria provided, multiple submitters, no conflicts (2 of 4 stars). 2 submissions from 2 submitters: Uncertain significance (2). Last evaluated 2025-10-29.

Conditions:
Inborn genetic diseases. Identifiers: MedGen C0950123, MeSH D030342.

Allele frequency attached by ClinVar (database versions not stated): gnomAD exomes below 0.00001; ExAC 0.00002; gnomAD 0.00003; TOPMed 0.00003; 1000 Genomes Project 30x 0.00016.
gnomAD v4.1: 10 of 1,575,446 alleles (0.00063%); highest among the groups gnomAD compares: African/African-American, 0.012%; no homozygotes.

Submissions (2):

Ambry Genetics
Classification: Uncertain significance for Inborn genetic diseases. Last evaluated: 2025-10-29. Review status: criteria provided, single submitter. Criteria: Ambry Variant Classification Scheme 2023. Collection method: clinical testing. Allele origin: germline.

Labcorp Genetics (formerly Invitae), Labcorp
Classification: Uncertain significance. Last evaluated: 2022-07-08. Review status: criteria provided, single submitter. Criteria: Invitae Variant Classification Sherloc (09022015). Collection method: clinical testing. Allele origin: germline.
Comment: In summary, the available evidence is currently insufficient to determine the role of this variant in disease. Therefore, it has been classified as a Variant of Uncertain Significance. Algorithms developed to predict the effect of missense changes on protein structure and function (SIFT, PolyPhen-2, Align-GVGD) all suggest that this variant is likely to be tolerated. This variant has not been reported in the literature in individuals affected with SPEG-related conditions. This variant is present in population databases (rs779504640, gnomAD 0.01%). This sequence change replaces threonine, which is neutral and polar, with proline, which is neutral and non-polar, at codon 1579 of the SPEG protein (p.Thr1579Pro).